The following is an entry in ClinVar:

ClinVar aggregate classification (germline): Uncertain significance. Review status: criteria provided, multiple submitters, no conflicts (2 of 4 stars). 2 submissions from 2 submitters: Uncertain significance (2). Last evaluated 2023-02-18.

Conditions:
Myofibrillar myopathy 5. Also called: FILAMINOPATHY, AUTOSOMAL DOMINANT; Filaminopathy (type). Identifiers: Orphanet 171445, MedGen C1836050, MONDO:0012289, OMIM 609524.
Distal myopathy with posterior leg and anterior hand involvement. Also called: WILLIAMS DISTAL MYOPATHY. Identifiers: Orphanet 63273, MedGen C3279722, MONDO:0013550, OMIM 614065.
Hypertrophic cardiomyopathy 26. Also called: Cardiomyopathy, familial hypertrophic, 26. Identifiers: Orphanet 75249, MedGen C4310749, MONDO:0014883, OMIM 617047.
Cardiovascular phenotype. Identifiers: MedGen CN230736.

Submissions (2):

Ambry Genetics
Classification: Uncertain significance for Cardiovascular phenotype. Last evaluated: 2023-02-18. Review status: criteria provided, single submitter. Criteria: Ambry Variant Classification Scheme 2023. Collection method: clinical testing. Allele origin: germline.
Comment: The p.G2054R variant (also known as c.6160G>A), located in coding exon 37 of the FLNC gene, results from a G to A substitution at nucleotide position 6160. The glycine at codon 2054 is replaced by arginine, an amino acid with dissimilar properties. This amino acid position is well conserved in available vertebrate species. In addition, this alteration is predicted to be deleterious by in silico analysis. Since supporting evidence is limited at this time, the clinical significance of this alteration remains unclear.

Labcorp Genetics (formerly Invitae), Labcorp
Classification: Uncertain significance for Distal myopathy with posterior leg and anterior hand involvement; Myofibrillar myopathy 5; Hypertrophic cardiomyopathy 26. Last evaluated: 2019-02-19. Review status: criteria provided, single submitter. Criteria: Invitae Variant Classification Sherloc (09022015). Collection method: clinical testing. Allele origin: germline.
Comment: In summary, the available evidence is currently insufficient to determine the role of this variant in disease. Therefore, it has been classified as a Variant of Uncertain Significance. Algorithms developed to predict the effect of missense changes on protein structure and function are either unavailable or do not agree on the potential impact of this missense change (SIFT: "Deleterious"; PolyPhen-2: "Probably Damaging"; Align-GVGD: "Class C0"). This variant has not been reported in the literature in individuals with FLNC-related conditions. This variant is not present in population databases (ExAC no frequency). This sequence change replaces glycine with arginine at codon 2054 of the FLNC protein (p.Gly2054Arg). The glycine residue is moderately conserved and there is a moderate physicochemical difference between glycine and arginine.

NM_001458.5(FLNC):c.6160G>A (p.Gly2054Arg)

Genes: FLNC (filamin C; plus strand), FLNC-AS1 (FLNC antisense RNA 1; minus strand). Cytogenetic location: 7q32.1.
Variant type: single nucleotide variant.
Coding change: c.6160G>A on transcript NM_001458.5 (MANE Select); coding-DNA position 6160, G replaced by A.
Protein change: p.Gly2054Arg; replaces glycine 2054 with arginine.
Molecular consequence: missense variant.
Genome position (GRCh38, 1-based): chr7:128,852,983, G>A. VCF-style: chr7-128852983-G-A. GRCh37 (hg19) VCF-style: chr7-128493037-G-A.
Other names: c.6061G>A, p.Gly2021Arg (NM_001127487.2); short protein forms G2021R, G2054R.
Identifiers: ClinVar variation 861277 (VCV000861277.12), dbSNP rs1808887627, ClinGen allele CA369211469.